The following is an entry in ClinVar:

ClinVar aggregate classification (germline): Likely benign (0 of 4 stars; one submission).

Conditions:
UNC13A-related disorder. Also called: UNC13A-related condition.

Allele frequency attached by ClinVar (database versions not stated): gnomAD 0.00001; gnomAD exomes 0.00003; TOPMed 0.00003; ESP Exome Variant Server 0.00008; ExAC 0.00010.
gnomAD v4.1: 55 of 1,610,940 alleles (0.0034%); highest among the groups gnomAD compares: Middle Eastern, 0.033%; no homozygotes.

Submission:

PreventionGenetics, part of Exact Sciences
Classification: Likely benign for UNC13A-related condition. Last evaluated: 2022-06-13. Review status: no assertion criteria provided. Collection method: clinical testing. Allele origin: germline.
Comment: This variant is classified as likely benign based on ACMG/AMP sequence variant interpretation guidelines (Richards et al. 2015 PMID: 25741868, with internal and published modifications).

NM_001080421.3(UNC13A):c.2406C>A (p.Ile802=)

Gene: UNC13A (unc-13 homolog A; minus strand). Cytogenetic location: 19p13.11.
Variant type: single nucleotide variant.
Coding change: c.2406C>A on transcript NM_001080421.3 (MANE Select); coding-DNA position 2406, C replaced by A.
Protein change: p.Ile802=; no amino-acid change (isoleucine 802 retained).
Molecular consequence: synonymous variant.
Genome position (GRCh38, 1-based): chr19:17,642,911, G>T on the plus strand (C>A on the coding strand, the complement: UNC13A is on the minus strand). VCF-style: chr19-17642911-G-T. GRCh37 (hg19) VCF-style: chr19-17753720-G-T.
Other names: c.2400C>A, p.Ile800= (NM_001387021.1, NM_001387022.1, NM_001387023.1).
Identifiers: ClinVar variation 3036386 (VCV003036386.2), dbSNP rs202053851, ClinGen allele CA9298259.
Genomic context (GRCh38, chr19:17,642,911, plus strand): 5'-CAGACAGGTGTACTGGACATGGTACGGGGCCACCTTCTCCTCGCCTTTGATCTCCACACT[G>T]ATGTGGAGCCGGATGGCACCCGACACGGCAGATTTGTCAGTTCGCTTGTCTGCAGGGCAG-3'
Protein context (NP_001073890.2, residues 792-812): SAVSGAIRLH[Ile802=]SVEIKGEEKV